The following is an entry in ClinVar:

NM_000179.3(MSH6):c.1605C>A (p.Tyr535Ter)

Gene: MSH6 (mutS homolog 6; plus strand). Cytogenetic location: 2p16.3.
Variant type: single nucleotide variant.
Coding change: c.1605C>A on transcript NM_000179.3 (MANE Select); coding-DNA position 1605, C replaced by A.
Protein change: p.Tyr535Ter; replaces tyrosine 535 with a stop codon.
Molecular consequence: nonsense.
Genome position (GRCh38, 1-based): chr2:47,799,588, C>A. VCF-style: chr2-47799588-C-A. GRCh37 (hg19) VCF-style: chr2-48026727-C-A.
Other names: c.1215C>A, p.Tyr405Ter (NM_001281492.2); c.699C>A, p.Tyr233Ter (NM_001281493.2, NM_001281494.2); short protein forms Y405*, Y233*, Y535*.
Identifiers: ClinVar variation 1371346 (VCV001371346.7), dbSNP rs2104354873, ClinGen allele CA346746981.
Genomic context (GRCh38, chr2:47,799,588, plus strand): 5'-GATCATTACCAAGGGTACACAGACTTACAGTGTGCTGGAAGGTGATCCCTCTGAGAACTA[C>A]AGTAAGTATCTTCTTAGCCTCAAAGAAAAAGAGGAAGATTCTTCTGGCCATACTCGTGCA-3'

ClinVar aggregate classification (germline): Pathogenic. Review status: criteria provided, multiple submitters, no conflicts (2 of 4 stars). 2 submissions from 2 submitters: Pathogenic (2). Last evaluated 2026-02-25.

Conditions:
Hereditary nonpolyposis colorectal neoplasms. Identifiers: MedGen C0009405, MeSH D003123.
Lynch syndrome 5 (LYNCH5). Also called: Hereditary non-polyposis colorectal cancer, type 5; Colorectal cancer, hereditary nonpolyposis, type 5. Identifiers: Orphanet 144, MedGen C1833477, MONDO:0013710, OMIM 614350. Disease mechanism: loss of function.

Submissions (2):

Myriad Genetics, Inc.
Classification: Pathogenic for Lynch syndrome 5. Last evaluated: 2026-02-25. Review status: criteria provided, single submitter. Criteria: Myriad Autosomal Dominant, Autosomal Recessive and X-Linked Classification Criteria (2023). Collection method: clinical testing. Allele origin: unknown.
Comment: This variant is considered pathogenic. This variant creates a termination codon and is predicted to result in premature protein truncation.

Labcorp Genetics (formerly Invitae), Labcorp
Classification: Pathogenic for Hereditary nonpolyposis colorectal neoplasms. Last evaluated: 2024-10-26. Review status: criteria provided, single submitter. Criteria: Invitae Variant Classification Sherloc (09022015). Collection method: clinical testing. Allele origin: germline.
Comment: This sequence change creates a premature translational stop signal (p.Tyr535*) in the MSH6 gene. It is expected to result in an absent or disrupted protein product. Loss-of-function variants in MSH6 are known to be pathogenic (PMID: 18269114, 24362816). This variant is not present in population databases (gnomAD no frequency). This variant has not been reported in the literature in individuals affected with MSH6-related conditions. ClinVar contains an entry for this variant (Variation ID: 1371346). For these reasons, this variant has been classified as Pathogenic.

Literature cited by the submitters: PubMed 18269114 (cited by Labcorp Genetics (formerly Invitae), Labcorp); PubMed 24362816 (cited by Labcorp Genetics (formerly Invitae), Labcorp).